The following is an entry in ClinVar:

ClinVar aggregate classification (germline): Uncertain significance (1 of 4 stars; one submission).

Conditions:
Hereditary cancer-predisposing syndrome. Also called: Neoplastic Syndromes, Hereditary; Tumor predisposition; Hereditary neoplastic syndrome; Hereditary Cancer Syndrome. Identifiers: Orphanet 140162, MedGen C0027672, MeSH D009386, MONDO:0015356.

Submission:

Ambry Genetics
Classification: Uncertain significance for Hereditary cancer-predisposing syndrome. Last evaluated: 2023-12-20. Review status: criteria provided, single submitter. Criteria: Ambry Variant Classification Scheme 2023. Collection method: clinical testing. Allele origin: germline.
Comment: The p.L83F variant (also known as c.249A>T), located in coding exon 3 of the PMS2 gene, results from an A to T substitution at nucleotide position 249. The leucine at codon 83 is replaced by phenylalanine, an amino acid with highly similar properties. This amino acid position is conserved. In addition, this alteration is predicted to be deleterious by in silico analysis. Since supporting evidence is limited at this time, the clinical significance of this alteration remains unclear.

NM_000535.7(PMS2):c.249A>T (p.Leu83Phe)

Gene: PMS2 (PMS1 homolog 2, mismatch repair system component; minus strand). Cytogenetic location: 7p22.1.
Variant type: single nucleotide variant.
Coding change: c.249A>T on transcript NM_000535.7 (MANE Select); coding-DNA position 249, A replaced by T.
Protein change: p.Leu83Phe; replaces leucine 83 with phenylalanine.
Molecular consequence: missense variant. On other transcripts: 5 prime UTR variant (37), non-coding transcript variant (1), intron variant (1).
Genome position (GRCh38, 1-based): chr7:6,003,973, T>A on the plus strand (A>T on the coding strand, the complement: PMS2 is on the minus strand). VCF-style: chr7-6003973-T-A. GRCh37 (hg19) VCF-style: chr7-6043604-T-A.
Other names: c.-157A>T (NM_001018040.1, NM_001322003.2, NM_001322004.2 and 14 more transcripts); c.249A>T, p.Leu83Phe (NM_001322006.2, NM_001322014.2, NM_001406868.1 and 10 more transcripts); c.34A>T, p.Asn12Tyr (NM_001322007.2, NM_001322008.2, NM_001406876.1 and 4 more transcripts); c.-636A>T (NM_001322011.2, NM_001322012.2); c.-236A>T (NM_001322015.2, NM_001406875.1, NM_001406877.1 and 3 more transcripts); c.435A>T, p.Leu145Phe (NM_001406866.1); c.-183A>T (NM_001406880.1); c.-133A>T (NM_001406881.1, NM_001406900.1); and 3 more; short protein forms L145F, L83F, N12Y.
Identifiers: ClinVar variation 3232018 (VCV003232018.1), dbSNP rs2128829264, ClinGen allele CA366744744.